The following is an entry in ClinVar:

NM_001385012.1(NBEA):c.-19CTC[1]

Gene: NBEA (neurobeachin; plus strand). Cytogenetic location: 13q13.3.
Variant type: Microsatellite.
Coding change: c.-19CTC[1] on transcript NM_001385012.1 (MANE Select); one copy of the 3-base unit CTC starting at c.-19; the reference has two copies in a row; one copy, 3 bases deleted.
Molecular consequence: 5 prime UTR variant.
Genome position (GRCh38, 1-based): chr13:34,942,805-34,942,807, CTC deleted; deleting any 3 consecutive bases within chr13:34,942,802-34,942,807 gives the same sequence; the position shown is the placement nearest the transcript's 3' end. VCF-style (leftmost placement, unchanged base first): chr13-34942801-TCTC-T. GRCh37 (hg19) VCF-style: chr13-35516938-TCTC-T.
Other names: c.-19CTC[1] (NM_001379245.1, NM_015678.5); c.-16_-14delCTC (NM_015678.5).
Identifiers: ClinVar variation 3911997 (VCV003911997.2).
Genomic context (GRCh38, chr13:34,942,801, plus strand): 5'-GGGGCGGGGGCCGAGGCAGGTATAACGGTACCGGCGGCGGCAGCGCCGCTGCTCTTCCCT[TCTC>T]CTCAGGAGGGGGGCCAATGGCTAGCGAGAAGCCGGGCCCGGGCCCGGGGCTCGAGCCTCA-3'

ClinVar aggregate classification (germline): Uncertain significance (1 of 4 stars; one submission).

Submission:

Women's Health and Genetics/Laboratory Corporation of America, LabCorp
Classification: Uncertain significance. Last evaluated: 2025-07-07. Review status: criteria provided, single submitter. Criteria: LabCorp Variant Classification Summary - May 2015. Collection method: clinical testing. Allele origin: germline.
Comment: Variant summary: NBEA c.-16_-14delCTC is located in the untranslated mRNA region upstream of the initiation codon. The variant allele was found at a frequency of 1.2e-05 in 1327744 control chromosomes in the gnomAD database (v4.1 dataset). This frequency is not significantly higher than estimated for a pathogenic variant in NBEA causing Neurodevelopmental Disorder With Or Without Early-Onset Generalized Epilepsy, allowing no conclusion about variant significance. To our knowledge, no occurrence of c.-16_-14delCTC in individuals affected with Neurodevelopmental Disorder With Or Without Early-Onset Generalized Epilepsy and no experimental evidence demonstrating its impact on protein function have been reported. No submitters have cited clinical-significance assessments for this variant to ClinVar. Based on the evidence outlined above, the variant was classified as uncertain significance.